The following is an entry in ClinVar:

NM_016038.4(SBDS):c.512A>G (p.His171Arg)

Gene: SBDS (SBDS ribosome maturation factor; minus strand). Cytogenetic location: 7q11.21.
Variant type: single nucleotide variant.
Coding change: c.512A>G on transcript NM_016038.4 (MANE Select); coding-DNA position 512, A replaced by G.
Protein change: p.His171Arg; replaces histidine 171 with arginine.
Molecular consequence: missense variant.
Genome position (GRCh38, 1-based): chr7:66,991,249, T>C on the plus strand (A>G on the coding strand, the complement: SBDS is on the minus strand). VCF-style: chr7-66991249-T-C. GRCh37 (hg19) VCF-style: chr7-66456236-T-C.
Other names: short protein forms H171R.
Identifiers: ClinVar variation 1745527 (VCV001745527.2), dbSNP rs2536926182, ClinGen allele CA367646785.
Genomic context (GRCh38, chr7:66,991,249, plus strand): 5'-TTGAGCTTTTCTTTCAGCTTCTTGCCTTCATTGACTGGAAGGATGAACCGAAGCCTCATG[T>C]GAGCACGTTCTATCTTCATTTTCTCTTTTAACTGCTTTATCACTTCCAAAGCCTACCAAG-3'
Protein context (NP_057122.2, residues 161-181): LKEKMKIERA[His171Arg]MRLRFILPVN

ClinVar aggregate classification (germline): Uncertain significance (1 of 4 stars; one submission).

Conditions:
Inborn genetic diseases. Identifiers: MedGen C0950123, MeSH D030342.

Submission:

Ambry Genetics
Classification: Uncertain significance for Inborn genetic diseases. Last evaluated: 2022-10-17. Review status: criteria provided, single submitter. Criteria: Ambry Variant Classification Scheme 2023. Collection method: clinical testing. Allele origin: germline.
Comment: The p.H171R variant (also known as c.512A>G), located in coding exon 4 of the SBDS gene, results from an A to G substitution at nucleotide position 512. The histidine at codon 171 is replaced by arginine, an amino acid with highly similar properties. This amino acid position is conserved. In addition, this alteration is predicted to be deleterious by in silico analysis. Since supporting evidence is limited at this time, the clinical significance of this alteration remains unclear.